The following is an entry in ClinVar:

ClinVar aggregate classification (germline): Uncertain significance (1 of 4 stars; one submission).

Conditions:
Hereditary sensory and autonomic neuropathy type 6. Also called: HSAN VI; Neuropathy, hereditary sensory and autonomic, type VI. Identifiers: Orphanet 314381, MedGen C3539003, MONDO:0013839, OMIM 614653.
Epidermolysis bullosa simplex 3, localized or generalized intermediate, with BP230 deficiency (EBS3). Also called: Epidermolysis bullosa simplex, autosomal recessive 2; Epidermolysis bullosa simplex due to BP230 deficiency. Identifiers: Orphanet 412181, MedGen C3809470, MONDO:0014180, OMIM 615425.

Allele frequency attached by ClinVar (database versions not stated): TOPMed below 0.00001; ExAC 0.00001.
gnomAD v4.1: 17 of 1,613,712 alleles (0.0011%); highest among the groups gnomAD compares: South Asian, 0.0033%; no homozygotes.

Submission:

Labcorp Genetics (formerly Invitae), Labcorp
Classification: Uncertain significance for Epidermolysis bullosa simplex 3, localized or generalized intermediate, with BP230 deficiency; Hereditary sensory and autonomic neuropathy type 6. Last evaluated: 2023-02-03. Review status: criteria provided, single submitter. Criteria: Invitae Variant Classification Sherloc (09022015). Collection method: clinical testing. Allele origin: germline.
Comment: This sequence change replaces cysteine, which is neutral and slightly polar, with tyrosine, which is neutral and polar, at codon 1110 of the DST protein (p.Cys1110Tyr). This variant is present in population databases (rs774162551, gnomAD 0.007%). In summary, the available evidence is currently insufficient to determine the role of this variant in disease. Therefore, it has been classified as a Variant of Uncertain Significance. Algorithms developed to predict the effect of missense changes on protein structure and function are either unavailable or do not agree on the potential impact of this missense change (SIFT: "Deleterious"; PolyPhen-2: "Benign"; Align-GVGD: "Class C15"). This variant has not been reported in the literature in individuals affected with DST-related conditions.

NM_001723.7(DST):c.3329G>A (p.Cys1110Tyr)

Gene: DST (dystonin; minus strand). Cytogenetic location: 6p12.1.
Variant type: single nucleotide variant.
Coding change: c.3329G>A on transcript NM_001723.7 (MANE Plus Clinical); coding-DNA position 3329, G replaced by A.
Protein change: p.Cys1110Tyr; replaces cysteine 1110 with tyrosine.
Molecular consequence: missense variant. On other transcripts: intron variant (10).
Genome position (GRCh38, 1-based): chr6:56,620,705, C>T on the plus strand (G>A on the coding strand, the complement: DST is on the minus strand). VCF-style: chr6-56620705-C-T. GRCh37 (hg19) VCF-style: chr6-56485503-C-T.
Other names: c.4830+3825G>A (NM_001144769.5); c.4929+3825G>A (NM_001374722.1, NM_001374736.1); c.4956+3825G>A (NM_001374734.1); c.4416+3825G>A (NM_001144770.2); c.4296+3825G>A (NM_001374730.1, NM_001386100.1, NM_183380.4 and 1 more transcripts); c.3318+3825G>A (NM_015548.5); short protein forms C1110Y.
Identifiers: ClinVar variation 2937552 (VCV002937552.3), dbSNP rs774162551, ClinGen allele CA3870731.
Genomic context (GRCh38, chr6:56,620,705, plus strand): 5'-ACTGTTGCCTTCTGACGCTGAAGCAGATCTGAATATGCCCCATGTTCAGAAGTCTCCTTA[C>T]ACCTTTTAATCTACAAAAGACATTTTGAAAGTGTCAAGCCTGTTCTGTTCAAAATATCTT-3'
Protein context (NP_001714.1, residues 1100-1120): KRLEEEEIKR[Cys1110Tyr]KETSEHGAYS